The following is an entry in ClinVar:

NM_005994.4(TBX2):c.313C>T (p.Pro105Ser)

Gene: TBX2 (T-box transcription factor 2; plus strand). Cytogenetic location: 17q23.2.
Variant type: single nucleotide variant.
Coding change: c.313C>T on transcript NM_005994.4 (MANE Select); coding-DNA position 313, C replaced by T.
Protein change: p.Pro105Ser; replaces proline 105 with serine.
Molecular consequence: missense variant.
Genome position (GRCh38, 1-based): chr17:61,400,489, C>T. VCF-style: chr17-61400489-C-T. GRCh37 (hg19) VCF-style: chr17-59477850-C-T.
Other names: short protein forms P105S.
Identifiers: ClinVar variation 4883385 (VCV004883385.3).
Genomic context (GRCh38, chr17:61,400,489, plus strand): 5'-CCCGCCGCGCATCTGCGCTCCCTCAAGAGCCTGGAGCCCGAGGACGAGGTGGAGGACGAC[C>T]CCAAGGTGACGCTGGAGGCCAAGGAGCTGTGGGACCAGTTCCACAAGCTAGGCACGGAGA-3'
Protein context (NP_005985.3, residues 95-115): LEPEDEVEDD[Pro105Ser]KVTLEAKELW

ClinVar aggregate classification (germline): Uncertain significance. Review status: criteria provided, multiple submitters, no conflicts (2 of 4 stars). 2 submissions from 2 submitters: Uncertain significance (2). Last evaluated 2026-08-06.

Conditions:
Vertebral anomalies and variable endocrine and T-cell dysfunction. Identifiers: MedGen C4748741, MONDO:0032607, OMIM 618223.

Submissions (2):

OLLIN Analises Genomicas, OLLIN
Classification: Uncertain significance for Vertebral anomalies and variable endocrine and T-cell dysfunction. Last evaluated: 2026-08-06. Review status: criteria provided, single submitter. Criteria: ACMG Guidelines 2015 PMID 25741868. Collection method: clinical testing. Allele origin: germline. Inheritance: Autosomal dominant inheritance.
Comment: This missense variant, located in exon 1 (of 7), is absent from gnomAD and ClinVar and has not been identified in the literature. In silico analysis predicts that this variant has a deleterious effect. According to the currently available evidence, this variant has been classified as uncertain significance (PM2_P, PP3).

Dasa
Classification: Uncertain significance for Vertebral anomalies and variable endocrine and T-cell dysfunction. Last evaluated: 2025-05-21. Review status: criteria provided, single submitter. Criteria: DASA Assertion Criteria. Collection method: clinical testing. Allele origin: germline.
Comment: NM_005994.4(TBX2):c.313C>T (p.Pro105Ser) is a missense variant that results in the substitution of proline with serine. This variant is rare in population databases. Computational prediction algorithms are consistent with a deleterious effect. The currently available literature and clinical evidence are not sufficient to establish a definitive association between this variant and the reported condition. Therefore, this variant is classified as a variant of uncertain significance.